The following is an entry in ClinVar:

ClinVar aggregate classification (germline): Uncertain significance. Review status: criteria provided, multiple submitters, no conflicts (2 of 4 stars). 3 submissions from 3 submitters: Uncertain significance (3). Last evaluated 2024-10-15.

Conditions:
Leukocyte adhesion deficiency 1 (LAD1). Also called: LEUKOCYTE ADHESION DEFICIENCY, TYPE I; LAD 1; Lymphocyte function-associated antigen 1 immunodeficiency; LFA 1 immunodeficiency. Identifiers: Orphanet 2968, Orphanet 99842, MedGen C0398738, MONDO:0007293, OMIM 116920.
Inborn genetic diseases. Identifiers: MedGen C0950123, MeSH D030342.

Allele frequency attached by ClinVar (database versions not stated): ExAC 0.00002; TOPMed 0.00002; gnomAD exomes 0.00006; 1000 Genomes Project 30x 0.00031; 1000 Genomes Project 0.00040.

Submissions (3):

Labcorp Genetics (formerly Invitae), Labcorp
Classification: Uncertain significance for Leukocyte adhesion deficiency 1. Last evaluated: 2024-10-15. Review status: criteria provided, single submitter. Criteria: Invitae Variant Classification Sherloc (09022015). Collection method: clinical testing. Allele origin: germline.
Comment: This sequence change replaces aspartic acid, which is acidic and polar, with asparagine, which is neutral and polar, at codon 523 of the ITGB2 protein (p.Asp523Asn). This variant is present in population databases (rs199976562, gnomAD 0.05%). This variant has not been reported in the literature in individuals affected with ITGB2-related conditions. ClinVar contains an entry for this variant (Variation ID: 940949). Invitae Evidence Modeling of protein sequence and biophysical properties (such as structural, functional, and spatial information, amino acid conservation, physicochemical variation, residue mobility, and thermodynamic stability) has been performed for this missense variant. However, the output from this modeling did not meet the statistical confidence thresholds required to predict the impact of this variant on ITGB2 protein function. In summary, the available evidence is currently insufficient to determine the role of this variant in disease. Therefore, it has been classified as a Variant of Uncertain Significance.

Blueprint Genetics
Classification: Uncertain significance. Last evaluated: 2023-12-12. Review status: criteria provided, single submitter. Criteria: ACMG Guidelines, 2015. Collection method: clinical testing. Allele origin: germline.

Ambry Genetics
Classification: Uncertain significance for Inborn genetic diseases. Last evaluated: 2023-07-11. Review status: criteria provided, single submitter. Criteria: Ambry Variant Classification Scheme 2023. Collection method: clinical testing. Allele origin: germline.

NM_000211.5(ITGB2):c.1567G>A (p.Asp523Asn)

Gene: ITGB2 (integrin subunit beta 2; minus strand). Cytogenetic location: 21q22.3.
Variant type: single nucleotide variant.
Coding change: c.1567G>A on transcript NM_000211.5 (MANE Select); coding-DNA position 1567, G replaced by A.
Protein change: p.Asp523Asn; replaces aspartic acid 523 with asparagine.
Molecular consequence: missense variant.
Genome position (GRCh38, 1-based): chr21:44,890,068, C>T on the plus strand (G>A on the coding strand, the complement: ITGB2 is on the minus strand). VCF-style: chr21-44890068-C-T. GRCh37 (hg19) VCF-style: chr21-46309983-C-T.
Other names: c.1567G>A, p.Asp523Asn (NM_001127491.3); c.1360G>A, p.Asp454Asn (NM_001303238.2); c.1567G>A (NM_000211.3); short protein forms D454N, D523N.
Identifiers: ClinVar variation 940949 (VCV000940949.9), dbSNP rs199976562, ClinGen allele CA10062786.